The following is an entry in ClinVar:

NM_031206.7(LAS1L):c.2056G>A (p.Glu686Lys)

Gene: LAS1L (LAS1 like ribosome biogenesis factor; minus strand). Cytogenetic location: Xq12.
Variant type: single nucleotide variant.
Coding change: c.2056G>A on transcript NM_031206.7 (MANE Select); coding-DNA position 2056, G replaced by A.
Protein change: p.Glu686Lys; replaces glutamic acid 686 with lysine.
Molecular consequence: missense variant. On other transcripts: non-coding transcript variant (1).
Genome position (GRCh38, 1-based): chrX:65,514,845, C>T on the plus strand (G>A on the coding strand, the complement: LAS1L is on the minus strand). VCF-style: chrX-65514845-C-T. GRCh37 (hg19) VCF-style: chrX-64734725-C-T.
Other names: c.2005G>A, p.Glu669Lys (NM_001170649.2); c.1879G>A, p.Glu627Lys (NM_001170650.2); c.2053G>A, p.Glu685Lys (NM_001375328.1); c.1099G>A, p.Glu367Lys (NM_001375332.1); c.2002G>A, p.Glu668Lys (NM_001375333.1); short protein forms E367K, E627K, E668K, E669K, E685K, E686K.
Identifiers: ClinVar variation 4071677 (VCV004071677.1).

ClinVar aggregate classification (germline): Uncertain significance (1 of 4 stars; one submission).

Submission:

GeneDx
Classification: Uncertain significance. Last evaluated: 2025-01-17. Review status: criteria provided, single submitter. Criteria: GeneDx Variant Classification Process June 2021. Collection method: clinical testing. Allele origin: germline. Affected: yes.
Comment: Not observed at significant frequency in large population cohorts (gnomAD); In silico analysis indicates that this missense variant does not alter protein structure/function; Has not been previously published as pathogenic or benign to our knowledge